The following is an entry in ClinVar:

ClinVar aggregate classification (germline): Uncertain significance (1 of 4 stars; one submission).

Conditions:
Autoimmune lymphoproliferative syndrome type 1. Also called: AUTOIMMUNE LYMPHOPROLIFERATIVE SYNDROME, TYPE I, AUTOSOMAL DOMINANT. Identifiers: Orphanet 3261, MedGen C2717884, MONDO:0011158, OMIM 601859.

Submission:

Labcorp Genetics (formerly Invitae), Labcorp
Classification: Uncertain significance for Autoimmune lymphoproliferative syndrome. Last evaluated: 2024-01-18. Review status: criteria provided, single submitter. Criteria: Invitae Variant Classification Sherloc (09022015). Collection method: clinical testing. Allele origin: germline.
Comment: This sequence change replaces phenylalanine, which is neutral and non-polar, with leucine, which is neutral and non-polar, at codon 133 of the FAS protein (p.Phe133Leu). This variant is not present in population databases (gnomAD no frequency). This variant has not been reported in the literature in individuals affected with FAS-related conditions. Advanced modeling of protein sequence and biophysical properties (such as structural, functional, and spatial information, amino acid conservation, physicochemical variation, residue mobility, and thermodynamic stability) performed at Invitae indicates that this missense variant is expected to disrupt FAS protein function with a positive predictive value of 95%. In summary, the available evidence is currently insufficient to determine the role of this variant in disease. Therefore, it has been classified as a Variant of Uncertain Significance.

NM_000043.6(FAS):c.397T>C (p.Phe133Leu)

Gene: FAS (Fas cell surface death receptor; plus strand). Cytogenetic location: 10q23.31.
Variant type: single nucleotide variant.
Coding change: c.397T>C on transcript NM_000043.6 (MANE Select); coding-DNA position 397, T replaced by C.
Protein change: p.Phe133Leu; replaces phenylalanine 133 with leucine.
Molecular consequence: missense variant. On other transcripts: non-coding transcript variant (1).
Genome position (GRCh38, 1-based): chr10:89,008,951, T>C. VCF-style: chr10-89008951-T-C. GRCh37 (hg19) VCF-style: chr10-90768708-T-C.
Other names: c.397T>C, p.Phe133Leu (NM_001320619.2, NM_152871.4, NM_152872.4); c.442T>C, p.Phe148Leu (NM_001410956.1); short protein forms F148L, F133L.
Identifiers: ClinVar variation 2710063 (VCV002710063.3), dbSNP rs2495124181, ClinGen allele CA377508709.